The following is an entry in ClinVar:

NM_015443.4(KANSL1):c.2014C>G (p.Pro672Ala)

Gene: KANSL1 (KAT8 regulatory NSL complex subunit 1). Cytogenetic location: 17q21.31.
Variant type: single nucleotide variant.
Coding change: c.2014C>G on transcript NM_015443.4 (MANE Select); coding-DNA position 2014, C replaced by G.
Protein change: p.Pro672Ala; replaces proline 672 with alanine.
Molecular consequence: missense variant.
Genome position (GRCh38, 1-based): chr17:46,050,539, G>C on the plus strand (C>G on the coding strand, the complement: KANSL1 is on the minus strand). VCF-style: chr17-46050539-G-C. GRCh37 (hg19) VCF-style: chr17-44127905-G-C.
Other names: c.2014C>G, p.Pro672Ala (NM_001193465.2, NM_001193466.2, NM_001379198.1); short protein forms P672A.
Identifiers: ClinVar variation 1443309 (VCV001443309.9), dbSNP rs1446402549, ClinGen allele CA399983790.

ClinVar aggregate classification (germline): Uncertain significance. Review status: criteria provided, multiple submitters, no conflicts (2 of 4 stars). 2 submissions from 2 submitters: Uncertain significance (2). Last evaluated 2022-03-28.

Conditions:
Koolen-de Vries syndrome (KDVS). Identifiers: Orphanet 96169, MedGen C1864871, MONDO:0012496, OMIM 610443.

Allele frequency attached by ClinVar (database versions not stated): gnomAD exomes below 0.00001.
gnomAD v4.1: 2 of 1,613,842 alleles (0.00012%); highest among the groups gnomAD compares: Non-Finnish European, 0.00017%; no homozygotes.

Submissions (2):

Fulgent Genetics
Classification: Uncertain significance for Koolen-de Vries syndrome. Last evaluated: 2022-03-28. Review status: criteria provided, single submitter. Criteria: ACMG Guidelines, 2015. Collection method: clinical testing. Allele origin: unknown.

Labcorp Genetics (formerly Invitae), Labcorp
Classification: Uncertain significance for Koolen-de Vries syndrome. Last evaluated: 2022-03-04. Review status: criteria provided, single submitter. Criteria: Invitae Variant Classification Sherloc (09022015). Collection method: clinical testing. Allele origin: germline.
Comment: This variant is present in population databases (no rsID available, gnomAD 0.0009%). This sequence change replaces proline, which is neutral and non-polar, with alanine, which is neutral and non-polar, at codon 672 of the KANSL1 protein (p.Pro672Ala). This variant has not been reported in the literature in individuals affected with KANSL1-related conditions. Algorithms developed to predict the effect of missense changes on protein structure and function are either unavailable or do not agree on the potential impact of this missense change (SIFT: "Tolerated"; PolyPhen-2: "Probably Damaging"; Align-GVGD: "Class C0"). In summary, the available evidence is currently insufficient to determine the role of this variant in disease. Therefore, it has been classified as a Variant of Uncertain Significance.